The following is an entry in ClinVar:

NM_023036.6(DNAI2):c.371A>C (p.Asn124Thr)

Gene: DNAI2 (dynein axonemal intermediate chain 2; plus strand). Cytogenetic location: 17q25.1.
Variant type: single nucleotide variant.
Coding change: c.371A>C on transcript NM_023036.6 (MANE Select); coding-DNA position 371, A replaced by C.
Protein change: p.Asn124Thr; replaces asparagine 124 with threonine.
Molecular consequence: missense variant.
Genome position (GRCh38, 1-based): chr17:74,287,002, A>C. VCF-style: chr17-74287002-A-C. GRCh37 (hg19) VCF-style: chr17-72283141-A-C.
Other names: c.371A>C, p.Asn124Thr (NM_001172810.3, NM_001353167.2); short protein forms N124T.
Identifiers: ClinVar variation 2148530 (VCV002148530.1), dbSNP rs781712279, ClinGen allele CA8745346.

ClinVar aggregate classification (germline): Uncertain significance (1 of 4 stars; one submission).

Conditions:
Primary ciliary dyskinesia. Also called: Ciliary dyskinesia. Identifiers: Orphanet 244, MedGen C0008780, MONDO:0016575, HP:0012265.

Allele frequency attached by ClinVar (database versions not stated): ExAC 0.00001; gnomAD 0.00001.

Submission:

Labcorp Genetics (formerly Invitae), Labcorp
Classification: Uncertain significance for Primary ciliary dyskinesia. Last evaluated: 2022-03-18. Review status: criteria provided, single submitter. Criteria: Invitae Variant Classification Sherloc (09022015). Collection method: clinical testing. Allele origin: germline.
Comment: This sequence change replaces asparagine, which is neutral and polar, with threonine, which is neutral and polar, at codon 124 of the DNAI2 protein (p.Asn124Thr). This variant is present in population databases (rs781712279, gnomAD 0.0009%). This variant has not been reported in the literature in individuals affected with DNAI2-related conditions. Algorithms developed to predict the effect of missense changes on protein structure and function (SIFT, PolyPhen-2, Align-GVGD) all suggest that this variant is likely to be disruptive. In summary, the available evidence is currently insufficient to determine the role of this variant in disease. Therefore, it has been classified as a Variant of Uncertain Significance.